The following is an entry in ClinVar:

NM_015488.5(PNKD):c.*1077G>A

Genes: CATIP-AS2 (CATIP antisense RNA 2; minus strand), PNKD (PNKD metallo-beta-lactamase domain containing; plus strand). Cytogenetic location: 2q35.
Variant type: single nucleotide variant.
Coding change: c.*1077G>A on transcript NM_015488.5 (MANE Select); 1077 bases downstream of the stop codon, G replaced by A.
Molecular consequence: 3 prime UTR variant.
Genome position (GRCh38, 1-based): chr2:218,346,058, G>A. VCF-style: chr2-218346058-G-A. GRCh37 (hg19) VCF-style: chr2-219210781-G-A.
Other names: c.*1077G>A (NM_022572.5).
Identifiers: ClinVar variation 334345 (VCV000334345.6), dbSNP rs9076, ClinGen allele CA10614315.
Genomic context (GRCh38, chr2:218,346,058, plus strand): 5'-CCATGTGATTTCCCACTGGATCCAGGCCCCCATCCGGCTGGCAGGAGGGGGCTCTGACGT[G>A]CAGGTTGGAAATCAGAAGTCTGTGAGAGCGCGGGAGTGCATGGCAGCTCTGGGTCCCAGA-3'

ClinVar aggregate classification (germline): Benign. Review status: criteria provided, multiple submitters, no conflicts (2 of 4 stars). 2 submissions from 2 submitters: Benign (2). Last evaluated 2018-01-13.

Conditions:
Paroxysmal nonkinesigenic dyskinesia 1 (PNKD1). Also called: Nonkinesigenic choreoathetosis; Familial paroxysmal choreoathetosis; DYSTONIA 8; Familial Paroxysmal Nonkinesigenic Dyskinesia; MOUNT-REBACK SYNDROME; PxMD-PNKD. Identifiers: Orphanet 98810, MedGen C4551506, MONDO:0700089, OMIM 118800, MONDO:0007326.

Allele frequency attached by ClinVar (database versions not stated): TOPMed 0.42696; gnomAD 0.43520 and 0.44663; 1000 Genomes Project 30x 0.46143; 1000 Genomes Project 0.46805; gnomAD exomes 0.54430.
gnomAD v4.1: 67,991 of 152,204 alleles (45%); highest among the groups gnomAD compares: East Asian, 63%; 17,051 homozygotes.

Submissions (2):

Illumina Laboratory Services, Illumina
Classification: Benign for Paroxysmal nonkinesigenic dyskinesia 1. Last evaluated: 2018-01-13. Review status: criteria provided, single submitter. Criteria: ICSL Variant Classification Criteria 13 December 2019. Collection method: clinical testing. Allele origin: germline.
Comment: This variant was observed in the ICSL laboratory as part of a predisposition screen in an ostensibly healthy population. It had not been previously curated by ICSL or reported in the Human Gene Mutation Database (HGMD: prior to June 1st, 2018), and was therefore a candidate for classification through an automated scoring system. Utilizing variant allele frequency, disease prevalence and penetrance estimates, and inheritance mode, an automated score was calculated to assess if this variant is too frequent to cause the disease. Based on the score and internal cut-off values, a variant classified as benign is not then subjected to further curation. The score for this variant resulted in a classification of benign for this disease.

Breakthrough Genomics
Classification: Benign. Review status: criteria provided, single submitter. Criteria: ACMG Guidelines, 2015. Collection method: not provided. Allele origin: germline. Inheritance: Autosomal dominant inheritance. Affected: yes.